The following is an entry in ClinVar:

ClinVar aggregate classification (germline): Uncertain significance (1 of 4 stars; one submission).

Submission:

Labcorp Genetics (formerly Invitae), Labcorp
Classification: Uncertain significance. Last evaluated: 2022-10-21. Review status: criteria provided, single submitter. Criteria: Invitae Variant Classification Sherloc (09022015). Collection method: clinical testing. Allele origin: germline.
Comment: This sequence change creates a premature translational stop signal (p.Ile223Leufs*10) in the SIAE gene. It is expected to result in an absent or disrupted protein product. However, the current clinical and genetic evidence is not sufficient to establish whether loss-of-function variants in SIAE cause disease. This variant is not present in population databases (gnomAD no frequency). This variant has not been reported in the literature in individuals affected with SIAE-related conditions. In summary, the available evidence is currently insufficient to determine the role of this variant in disease. Therefore, it has been classified as a Variant of Uncertain Significance.

NM_170601.5(SIAE):c.666del (p.Ile223fs)

Gene: SIAE (sialic acid acetylesterase; minus strand). Cytogenetic location: 11q24.2.
Variant type: Deletion.
Coding change: c.666del on transcript NM_170601.5 (MANE Select); coding-DNA position 666, one base deleted (C; older notation c.666delC).
Protein change: p.Ile223fs; shifts the reading frame from isoleucine 223.
Molecular consequence: frameshift variant.
Genome position (GRCh38, 1-based): chr11:124,649,675, G deleted on the plus strand (C on the coding strand, the reverse complement: SIAE is on the minus strand); the first of 3 consecutive G bases (chr11:124,649,675-124,649,677); deleting any one gives the same sequence. VCF-style (leftmost placement, unchanged base first): chr11-124649674-TG-T. GRCh37 (hg19) VCF-style: chr11-124519570-TG-T.
Other names: c.561del, p.Ile188fs (NM_001199922.2); short protein forms I188fs, I223fs.
Identifiers: ClinVar variation 2035696 (VCV002035696.4), dbSNP rs2496906399, ClinGen allele CA2580083770.